The following is an entry in ClinVar:

NM_000051.4(ATM):c.3658G>C (p.Glu1220Gln)

Gene: ATM (ATM serine/threonine kinase; plus strand). Cytogenetic location: 11q22.3.
Variant type: single nucleotide variant.
Coding change: c.3658G>C on transcript NM_000051.4 (MANE Select); coding-DNA position 3658, G replaced by C.
Protein change: p.Glu1220Gln; replaces glutamic acid 1220 with glutamine.
Molecular consequence: missense variant.
Genome position (GRCh38, 1-based): chr11:108,282,791, G>C. VCF-style: chr11-108282791-G-C. GRCh37 (hg19) VCF-style: chr11-108153518-G-C.
Other names: c.3658G>C, p.Glu1220Gln (NM_001351834.2); short protein forms E1220Q.
Identifiers: ClinVar variation 576030 (VCV000576030.15), dbSNP rs1565444811, ClinGen allele CA382523029.

ClinVar aggregate classification (germline): Uncertain significance. Review status: criteria provided, multiple submitters, no conflicts (2 of 4 stars). 4 submissions from 4 submitters: Uncertain significance (3). 1 of the submissions does not count toward it. Last evaluated 2025-02-14.

Conditions:
Hereditary cancer-predisposing syndrome. Also called: Hereditary neoplastic syndrome; Tumor predisposition; Hereditary Cancer Syndrome; Neoplastic Syndromes, Hereditary. Identifiers: Orphanet 140162, MedGen C0027672, MeSH D009386, MONDO:0015356.
Ataxia-telangiectasia syndrome (AT). Also called: Cerebello-oculocutaneous telangiectasia; Immunodeficiency with ataxia telangiectasia; Ataxia telangiectasia (A-T); Ataxia-telangiectasia, complementation group E; LOUIS-BAR SYNDROME; Ataxia-telangiectasia. Identifiers: Orphanet 100, MedGen C0004135, MONDO:0008840, OMIM 208900.

gnomAD v4.1: 2 of 1,596,582 alleles (0.00013%); highest among the groups gnomAD compares: Non-Finnish European, 0.00017%; no homozygotes.

Submissions (4):

Ambry Genetics
Classification: Uncertain significance for Hereditary cancer-predisposing syndrome. Last evaluated: 2025-02-14. Review status: criteria provided, single submitter. Criteria: Ambry Variant Classification Scheme 2023. Collection method: clinical testing. Allele origin: germline.
Comment: The p.E1220Q variant (also known as c.3658G>C), located in coding exon 24 of the ATM gene, results from a G to C substitution at nucleotide position 3658. The glutamic acid at codon 1220 is replaced by glutamine, an amino acid with highly similar properties. This amino acid position is highly conserved in available vertebrate species. In addition, the in silico prediction for this alteration is inconclusive. Based on the available evidence, the clinical significance of this variant remains unclear.

Labcorp Genetics (formerly Invitae), Labcorp
Classification: Uncertain significance for Ataxia-telangiectasia syndrome. Last evaluated: 2023-12-04. Review status: criteria provided, single submitter. Criteria: Invitae Variant Classification Sherloc (09022015). Collection method: clinical testing. Allele origin: germline.
Comment: This sequence change replaces glutamic acid, which is acidic and polar, with glutamine, which is neutral and polar, at codon 1220 of the ATM protein (p.Glu1220Gln). This variant is not present in population databases (gnomAD no frequency). This variant has not been reported in the literature in individuals affected with ATM-related conditions. ClinVar contains an entry for this variant (Variation ID: 576030). Algorithms developed to predict the effect of missense changes on protein structure and function output the following: SIFT: "Not Available"; PolyPhen-2: "Benign"; Align-GVGD: "Not Available". The glutamine amino acid residue is found in multiple mammalian species, which suggests that this missense change does not adversely affect protein function. In summary, the available evidence is currently insufficient to determine the role of this variant in disease. Therefore, it has been classified as a Variant of Uncertain Significance.

GeneDx
Classification: Uncertain significance. Last evaluated: 2019-11-15. Review status: criteria provided, single submitter. Criteria: GeneDx Variant Classification Process June 2021. Collection method: clinical testing. Allele origin: germline. Affected: yes.
Comment: Not observed in large population cohorts (Lek 2016); In silico analysis, which includes protein predictors and evolutionary conservation, supports that this variant does not alter protein structure/function; Has not been previously published as pathogenic or benign to our knowledge

Natera, Inc.
Classification: Uncertain significance for Ataxia-telangiectasia. Last evaluated: 2020-09-16. Review status: no assertion criteria provided. Collection method: clinical testing. Allele origin: germline. Not counted in ClinVar's aggregate classification.